The following is an entry in ClinVar:

ClinVar aggregate classification (germline): Uncertain significance. Review status: criteria provided, multiple submitters, no conflicts (2 of 4 stars). 4 submissions from 4 submitters: Uncertain significance (4). Last evaluated 2026-01-26.

Conditions:
Ataxia-telangiectasia syndrome (AT). Also called: LOUIS-BAR SYNDROME; Cerebello-oculocutaneous telangiectasia; Immunodeficiency with ataxia telangiectasia; Ataxia telangiectasia (A-T); Ataxia-telangiectasia, complementation group D; AT, COMPLEMENTATION GROUP C. Identifiers: Orphanet 100, MedGen C0004135, MONDO:0008840, OMIM 208900.
Hereditary cancer-predisposing syndrome. Also called: Tumor predisposition; Neoplastic Syndromes, Hereditary; Hereditary Cancer Syndrome; Hereditary neoplastic syndrome. Identifiers: Orphanet 140162, MedGen C0027672, MeSH D009386, MONDO:0015356.

Submissions (4):

3billion
Classification: Uncertain significance for Ataxia-telangiectasia syndrome. Last evaluated: 2026-01-26. Review status: criteria provided, single submitter. Criteria: ACMG Guidelines, 2015. Collection method: clinical testing. Allele origin: germline. Affected: yes.
Comment: The variant is not observed in the gnomAD v4.1.0 dataset. Predicted Consequence/Location: Missense variant In silico tool predictions suggest damaging effect of the variant on gene or gene product [REVEL: 0.90 (>=0.6, sensitivity 0.68 and specificity 0.92); 3Cnet: 0.91 (> 0.75, sensitivity 0.96 and precision 0.92)]. The variant has been reported as of uncertain significance (ClinVar ID: VCV002774694). Different missense changes at the same codon have been reported as of uncertain significance (ClinVar ID: VCV002050044, VCV000419843, VCV001718518). Therefore, this variant is classified as VUS according to the recommendation of ACMG/AMP guideline.

Molecular Pathology, Peter Maccallum Cancer Centre
Classification: Uncertain significance for Ataxia-telangiectasia syndrome. Last evaluated: 2024-10-28. Review status: criteria provided, single submitter. Criteria: ACMG Guidelines, 2015. Collection method: clinical testing. Allele origin: germline. Inheritance: Autosomal recessive inheritance.

Labcorp Genetics (formerly Invitae), Labcorp
Classification: Uncertain significance for Ataxia-telangiectasia syndrome. Last evaluated: 2024-08-31. Review status: criteria provided, single submitter. Criteria: Invitae Variant Classification Sherloc (09022015). Collection method: clinical testing. Allele origin: germline.
Comment: This sequence change replaces tryptophan, which is neutral and slightly polar, with arginine, which is basic and polar, at codon 2104 of the ATM protein (p.Trp2104Arg). This variant is not present in population databases (gnomAD no frequency). This variant has not been reported in the literature in individuals affected with ATM-related conditions. An algorithm developed to predict the effect of missense changes on protein structure and function (PolyPhen-2) suggests that this variant is likely to be disruptive. In summary, the available evidence is currently insufficient to determine the role of this variant in disease. Therefore, it has been classified as a Variant of Uncertain Significance.

Color Diagnostics, LLC DBA Color Health
Classification: Uncertain significance for Hereditary cancer-predisposing syndrome. Last evaluated: 2022-12-05. Review status: criteria provided, single submitter. Criteria: ACMG Guidelines, 2015. Collection method: clinical testing. Allele origin: germline.
Comment: This missense variant replaces tryptophan with arginine at codon 2104 of the ATM protein. Computational prediction suggests that this variant may have deleterious impact on protein structure and function (internally defined REVEL score threshold >= 0.7, PMID: 27666373). To our knowledge, functional studies have not been reported for this variant. This variant has not been reported in individuals affected with ATM-related disorders in the literature. This variant has not been identified in the general population by the Genome Aggregation Database (gnomAD). The available evidence is insufficient to determine the role of this variant in disease conclusively. Therefore, this variant is classified as a Variant of Uncertain Significance.

NM_000051.4(ATM):c.6310T>C (p.Trp2104Arg)

Genes: ATM (ATM serine/threonine kinase; plus strand), C11orf65 (chromosome 11 open reading frame 65; minus strand). Cytogenetic location: 11q22.3.
Variant type: single nucleotide variant.
Coding change: c.6310T>C on transcript NM_000051.4 (MANE Select); coding-DNA position 6310, T replaced by C.
Protein change: p.Trp2104Arg; replaces tryptophan 2104 with arginine.
Molecular consequence: missense variant. On other transcripts: intron variant (2).
Genome position (GRCh38, 1-based): chr11:108,317,484, T>C. VCF-style: chr11-108317484-T-C. GRCh37 (hg19) VCF-style: chr11-108188211-T-C.
Other names: c.6310T>C, p.Trp2104Arg (NM_001351834.2); c.641-8413A>G (NM_001330368.2); c.*39-8413A>G (NM_001351110.2); short protein forms W2104R.
Identifiers: ClinVar variation 2774694 (VCV002774694.6), dbSNP rs2547116383, ClinGen allele CA382552151.